The following is an entry in ClinVar:

ClinVar aggregate classification (germline): Likely benign. Review status: criteria provided, multiple submitters, no conflicts (2 of 4 stars). 2 submissions from 2 submitters: Likely benign (2). Last evaluated 2025-11-01.

Allele frequency attached by ClinVar (database versions not stated): ExAC 0.00001; gnomAD 0.00005; TOPMed 0.00005; gnomAD exomes 0.00010; ESP Exome Variant Server 0.00015.
gnomAD v4.1: 160 of 1,609,804 alleles (0.0099%); highest among the groups gnomAD compares: Non-Finnish European, 0.013%; no homozygotes.

Submissions (2):

CeGaT Center for Human Genetics Tuebingen
Classification: Likely benign. Last evaluated: 2025-11-01. Review status: criteria provided, single submitter. Criteria: CeGaT Center For Human Genetics Tuebingen Variant Classification Criteria Version 2. Collection method: clinical testing. Allele origin: germline. Affected: yes. Observed: 1 variant allele.
Comment: XRCC4: BP4, BP7

Labcorp Genetics (formerly Invitae), Labcorp
Classification: Likely benign. Last evaluated: 2025-10-02. Review status: criteria provided, single submitter. Criteria: Invitae Variant Classification Sherloc (09022015). Collection method: clinical testing. Allele origin: germline.

NM_003401.5(XRCC4):c.171T>C (p.Asp57=)

Gene: XRCC4 (X-ray repair cross complementing 4; plus strand). Cytogenetic location: 5q14.2.
Variant type: single nucleotide variant.
Coding change: c.171T>C on transcript NM_003401.5 (MANE Select); coding-DNA position 171, T replaced by C.
Protein change: p.Asp57=; no amino-acid change (aspartic acid 57 retained).
Molecular consequence: synonymous variant.
Genome position (GRCh38, 1-based): chr5:83,111,059, T>C. VCF-style: chr5-83111059-T-C. GRCh37 (hg19) VCF-style: chr5-82406878-T-C.
Other names: c.171T>C, p.Asp57= (NM_001131022.1, NM_001318012.3, NM_001318013.2 and 2 more transcripts).
Identifiers: ClinVar variation 2420518 (VCV002420518.13), dbSNP rs367623160, ClinGen allele CA3332099.
Genomic context (GRCh38, chr5:83,111,059, plus strand): 5'-TTTAAAACTTTTGTTAATATTTCCCATAGTTTCTGAATCAGAGATTTCCCAAGAAGCTGA[T>C]GACATGGCAATGGAAAAAGGGAAATATGTTGGTGAACTGAGAAAAGCATTGTTGTCAGGA-3'
Protein context (NP_003392.1, residues 47-67): VSESEISQEA[Asp57=]DMAMEKGKYV